The following is an entry in ClinVar:

ClinVar aggregate classification (germline): Likely benign (1 of 4 stars; one submission).

Allele frequency attached by ClinVar (database versions not stated): TOPMed 0.00048; gnomAD 0.00054; ExAC 0.00064; gnomAD exomes 0.00087; ESP Exome Variant Server 0.00098.
gnomAD v4.1: 1,324 of 1,604,644 alleles (0.083%); highest among the groups gnomAD compares: Non-Finnish European, 0.11%; no homozygotes.

Submission:

Women's Health and Genetics/Laboratory Corporation of America, LabCorp
Classification: Likely benign. Last evaluated: 2023-09-18. Review status: criteria provided, single submitter. Criteria: LabCorp Variant Classification Summary - May 2015. Collection method: clinical testing. Allele origin: germline.
Comment: Variant summary: RYR3 c.280-12T>C alters a non-conserved nucleotide located at a position not widely known to affect splicing. Consensus agreement among computation tools predict no significant impact on normal splicing. However, these predictions have yet to be confirmed by functional studies. The variant allele was found at a frequency of 0.0005 in 248102 control chromosomes (i.e., 123 heterozygotes, no homozygotes; gnomAD). The available data on variant occurrences in the general population are insufficient to allow any conclusion about variant significance. To our knowledge, no occurrence of c.280-12T>C in individuals affected with Congenital Myopathy 20 and no experimental evidence demonstrating its impact on protein function have been reported. No submitters have reported clinical-significance assessments for this variant to ClinVar after 2014. Based on the evidence outlined above, the variant was classified as likely benign.

NM_001036.6(RYR3):c.280-12T>C

Gene: RYR3 (ryanodine receptor 3; plus strand). Cytogenetic location: 15q14.
Variant type: single nucleotide variant.
Coding change: c.280-12T>C on transcript NM_001036.6 (MANE Select); 12 bases into the intron before coding-DNA position 280, T replaced by C.
Molecular consequence: intron variant.
Genome position (GRCh38, 1-based): chr15:33,530,580, T>C. VCF-style: chr15-33530580-T-C. GRCh37 (hg19) VCF-style: chr15-33822781-T-C.
Other names: c.280-12T>C (NM_001243996.4).
Identifiers: ClinVar variation 2627265 (VCV002627265.1), dbSNP rs375322559, ClinGen allele CA7457770.